The following is an entry in ClinVar:

ClinVar aggregate classification (germline): Uncertain significance (1 of 4 stars; one submission).

Submission:

GeneDx
Classification: Uncertain significance. Last evaluated: 2025-06-14. Review status: criteria provided, single submitter. Criteria: GeneDx Variant Classification Process June 2021. Collection method: clinical testing. Allele origin: germline. Affected: yes.
Comment: Not observed at significant frequency in large population cohorts (gnomAD); In silico analysis suggests that this missense variant does not alter protein structure/function; Has not been previously published as pathogenic or benign to our knowledge

NM_198503.5(KCNT2):c.439G>T (p.Ala147Ser)

Gene: KCNT2 (potassium sodium-activated channel subfamily T member 2; minus strand). Cytogenetic location: 1q31.3.
Variant type: single nucleotide variant.
Coding change: c.439G>T on transcript NM_198503.5 (MANE Select); coding-DNA position 439, G replaced by T.
Protein change: p.Ala147Ser; replaces alanine 147 with serine.
Molecular consequence: missense variant. On other transcripts: non-coding transcript variant (2).
Genome position (GRCh38, 1-based): chr1:196,469,014, C>A on the plus strand (G>T on the coding strand, the complement: KCNT2 is on the minus strand). VCF-style: chr1-196469014-C-A. GRCh37 (hg19) VCF-style: chr1-196438144-C-A.
Other names: c.439G>T, p.Ala147Ser (NM_001287819.3, NM_001287820.3); short protein forms A147S.
Identifiers: ClinVar variation 4537606 (VCV004537606.1).